The following is an entry in ClinVar:

ClinVar aggregate classification (germline): Uncertain significance. Review status: criteria provided, multiple submitters, no conflicts (2 of 4 stars). 3 submissions from 3 submitters: Uncertain significance (3). Last evaluated 2023-12-01.

Allele frequency attached by ClinVar (database versions not stated): gnomAD 0.00001; gnomAD exomes 0.00001; ExAC 0.00002; TOPMed 0.00004; ESP Exome Variant Server 0.00015.
gnomAD v4.1: 15 of 1,613,930 alleles (0.00093%); highest among the groups gnomAD compares: East Asian, 0.0022%; no homozygotes.

Submissions (3):

Blueprint Genetics
Classification: Uncertain significance. Last evaluated: 2023-12-01. Review status: criteria provided, single submitter. Criteria: ACMG Guidelines, 2015. Collection method: clinical testing. Allele origin: germline.

Labcorp Genetics (formerly Invitae), Labcorp
Classification: Uncertain significance. Last evaluated: 2022-07-21. Review status: criteria provided, single submitter. Criteria: Invitae Variant Classification Sherloc (09022015). Collection method: clinical testing. Allele origin: germline.
Comment: This sequence change replaces arginine, which is basic and polar, with cysteine, which is neutral and slightly polar, at codon 4570 of the USH2A protein (p.Arg4570Cys). This variant is present in population databases (rs141340831, gnomAD 0.003%). This missense change has been observed in individual(s) with non-syndromic retinitis pigmentosa (PMID: 33105608). Algorithms developed to predict the effect of missense changes on protein structure and function (SIFT, PolyPhen-2, Align-GVGD) all suggest that this variant is likely to be disruptive. In summary, the available evidence is currently insufficient to determine the role of this variant in disease. Therefore, it has been classified as a Variant of Uncertain Significance.

Breakthrough Genomics
Classification: Uncertain significance. Review status: criteria provided, single submitter. Criteria: ACMG Guidelines, 2015. Collection method: not provided. Allele origin: germline. Inheritance: Autosomal recessive inheritance. Affected: yes.

Literature cited by the submitters: PubMed 33105608 (cited by Labcorp Genetics (formerly Invitae), Labcorp).

NM_206933.4(USH2A):c.13708C>T (p.Arg4570Cys)

Gene: USH2A (usherin; minus strand). Cytogenetic location: 1q41.
Variant type: single nucleotide variant.
Coding change: c.13708C>T on transcript NM_206933.4 (MANE Select); coding-DNA position 13708, C replaced by T.
Protein change: p.Arg4570Cys; replaces arginine 4570 with cysteine.
Molecular consequence: missense variant.
Genome position (GRCh38, 1-based): chr1:215,674,203, G>A on the plus strand (C>T on the coding strand, the complement: USH2A is on the minus strand). VCF-style: chr1-215674203-G-A. GRCh37 (hg19) VCF-style: chr1-215847545-G-A.
Other names: short protein forms R4570C.
Identifiers: ClinVar variation 2156946 (VCV002156946.3), dbSNP rs141340831, ClinGen allele CA1393241.